The following is an entry in ClinVar:

NM_000169.3(GLA):c.989A>G (p.Gln330Arg)

Genes: GLA (galactosidase alpha; minus strand), RPL36A-HNRNPH2 (RPL36A-HNRNPH2 readthrough; plus strand). Cytogenetic location: Xq22.1.
Variant type: single nucleotide variant.
Coding change: c.989A>G on transcript NM_000169.3 (MANE Select); coding-DNA position 989, A replaced by G.
Protein change: p.Gln330Arg; replaces glutamine 330 with arginine.
Molecular consequence: missense variant. On other transcripts: non-coding transcript variant (3), intron variant (2).
Genome position (GRCh38, 1-based): chrX:101,398,380, T>C on the plus strand (A>G on the coding strand, the complement: GLA is on the minus strand). VCF-style: chrX-101398380-T-C. GRCh37 (hg19) VCF-style: chrX-100653368-T-C.
Other names: c.989A>G (NM_000169.2); c.1112A>G, p.Gln371Arg (NM_001406747.1); c.989A>G, p.Gln330Arg (NM_001406748.1); c.300+2923T>C (NM_001199973.2); c.177+6558T>C (NM_001199974.2); short protein forms Q330R, Q371R.
Identifiers: ClinVar variation 217409 (VCV000217409.5), dbSNP rs869312161, ClinGen allele CA353080.
Genomic context (GRCh38, chrX:101,398,380, plus strand): 5'-AGTTGGTATTGGGTATATAAAGCCATCTTAAAATATATACTCTTATTTACCTGTCTAAGC[T>C]GGTACCCTTGCTTGCCCAAGGGGTCCTGATTGATGGCAATTACGTCCTTATCCTGAAGGA-3'
Protein context (NP_000160.1, residues 320-340): NQDPLGKQGY[Gln330Arg]LRQGDNFEVW

ClinVar aggregate classification (germline): Uncertain significance. Review status: criteria provided, multiple submitters, no conflicts (2 of 4 stars). 4 submissions from 3 submitters: Uncertain significance (2). 2 of the submissions do not count toward it. Last evaluated 2026-09-08.

Conditions:
Fabry disease. Also called: ALPHA-GALACTOSIDASE A DEFICIENCY; ANDERSON-FABRY DISEASE; CERAMIDE TRIHEXOSIDASE DEFICIENCY; Fabry's disease; Angiokeratoma corporis diffusum; Ceramide trihexosidosis. Identifiers: Orphanet 324, MedGen C0002986, MONDO:0010526, OMIM 301500, HP:0001071. Disease mechanism: loss of function, Fabry disease is due to inactivating mutations in the X-linked GLA gene resulting in deficiency of the enzyme Alpha Galactosidase-A..
Migalastat response. Also called: 1-Deoxygalactonojirimycin response; Galafold response. Identifiers: MedGen CN233149.

Submissions (4):

Genomenon, Inc
Classification: Uncertain significance for Fabry disease. Last evaluated: 2026-09-08. Review status: criteria provided, single submitter. Criteria: Genomenon Sequence Variant Interpretation Standards - Updated. Collection method: curation. Allele origin: germline. Affected: no.
Comment: GLA p.Gln330Arg (c.989A>G) is a missense variant that changes the amino acid at codon 330 from Glutamine to Arginine. This variant has been reported in the published literature (PMID:28340804;34679477;29330335;26415523;30739116;39468034). It is absent or not present at a significant frequency in gnomAD. In silico models predict that this variant is not damaging. In conclusion, we classify GLA p.Gln330Arg (c.989A>G) as a variant of uncertain significance.

Broad Center for Mendelian Genomics, Broad Institute of MIT and Harvard
Classification: Uncertain significance for Fabry disease. Last evaluated: 2020-01-22. Review status: criteria provided, single submitter. Criteria: ACMG Guidelines, 2015. Collection method: curation. Allele origin: germline. Inheritance: X-linked inheritance.
Comment: The p.Gln330Arg variant in GLA has been reported in the literature in three males, whose clinical status for Fabry disease was uncertain (PMID: 26415523, 29330335, 28340804), and was absent from large population studies (gnomAD; dbSNP rs869312161). This variant has also been reported in ClinVar as a VUS by the Albrecht-Kossel-Institute (Variation ID: 217409). In vitro functional studies provide some evidence that the p.Gln330Arg variant may not impact protein function (PMID: 26415523). However, these types of assays may not accurately represent biological function. Computational prediction tools, including splice predictors, and conservation analyses suggest that this variant may not impact the protein, though this information is not predictive enough to rule out pathogenicity. In summary, the clinical significance of p.Gln330Arg is uncertain. ACMG/AMP Criteria applied: PM2, BP4, BS3_supporting (Richards 2015).

X-linked inheritance (primarily recessive with milder female expression)

Albrecht-Kossel-Institute, Medical University Rostock
Classification: Uncertain significance for Fabry's disease. Last evaluated: 2014-01-01. Review status: no assertion criteria provided. Collection method: research. Allele origin: inherited. Not counted in ClinVar's aggregate classification.

Albrecht-Kossel-Institute, Medical University Rostock
Classification: drug response for deoxygalactonojirimycin response. Last evaluated: 2014-01-01. Review status: no assertion criteria provided. Collection method: research. Allele origin: inherited. Not counted in ClinVar's aggregate classification.

Literature cited by the submitters: PubMed 28340804 (cited by Genomenon, Inc); PubMed 34679477 (cited by Genomenon, Inc); PubMed 29330335 (cited by Genomenon, Inc); PubMed 26415523 (cited by 3 submitters); PubMed 30739116 (cited by Genomenon, Inc); PubMed 39468034 (cited by Genomenon, Inc).